The following is an entry in ClinVar:

ClinVar aggregate classification (germline): Uncertain significance (1 of 4 stars; one submission).

Conditions:
Hereditary cancer-predisposing syndrome. Also called: Neoplastic Syndromes, Hereditary; Tumor predisposition; Hereditary Cancer Syndrome; Hereditary neoplastic syndrome. Identifiers: Orphanet 140162, MedGen C0027672, MeSH D009386, MONDO:0015356.

Submission:

Ambry Genetics
Classification: Uncertain significance for Hereditary cancer-predisposing syndrome. Last evaluated: 2026-07-08. Review status: criteria provided, single submitter. Criteria: Ambry Variant Classification Scheme 2023. Collection method: clinical testing. Allele origin: germline.
Comment: The p.S1072R variant (also known as c.3214A>C), located in coding exon 27 of the TSC2 gene, results from an A to C substitution at nucleotide position 3214. The serine at codon 1072 is replaced by arginine, an amino acid with dissimilar properties. This amino acid position is conserved. In addition, this alteration is predicted to be deleterious by in silico analysis. Based on the available evidence, the clinical significance of this alteration remains unclear.

NM_000548.5(TSC2):c.3214A>C (p.Ser1072Arg)

Gene: TSC2 (TSC complex subunit 2; plus strand). Cytogenetic location: 16p13.3.
Variant type: single nucleotide variant.
Coding change: c.3214A>C on transcript NM_000548.5 (MANE Select); coding-DNA position 3214, A replaced by C.
Protein change: p.Ser1072Arg; replaces serine 1072 with arginine.
Molecular consequence: missense variant. On other transcripts: non-coding transcript variant (5).
Genome position (GRCh38, 1-based): chr16:2,079,358, A>C. VCF-style: chr16-2079358-A-C. GRCh37 (hg19) VCF-style: chr16-2129359-A-C.
Other names: c.3103A>C, p.Ser1035Arg (NM_001406670.1); c.3073A>C, p.Ser1025Arg (NM_001406671.1); c.3070A>C, p.Ser1024Arg (NM_001406673.1); c.3067A>C, p.Ser1023Arg (NM_001406675.1); c.3064A>C, p.Ser1022Arg (NM_001406676.1); c.3025A>C, p.Ser1009Arg (NM_001406677.1); c.2971A>C, p.Ser991Arg (NM_001406678.1); c.2935A>C, p.Ser979Arg (NM_001406679.1); and 18 more; short protein forms S1009R, S1022R, S1023R, S1024R, S1025R, S1028R, S1029R, S1035R.
Identifiers: ClinVar variation 3232135 (VCV003232135.2), dbSNP rs2151439176, ClinGen allele CA394285865.